The following is an entry in ClinVar:

ClinVar aggregate classification (germline): Uncertain significance. Review status: criteria provided, multiple submitters, no conflicts (2 of 4 stars). 3 submissions from 3 submitters: Uncertain significance (3). Last evaluated 2022-09-20.

Conditions:
NEXN-related disorder. Also called: NEXN-related condition; NEXN-related disorders.
Cardiovascular phenotype. Identifiers: MedGen CN230736.

Allele frequency attached by ClinVar (database versions not stated): gnomAD exomes below 0.00001; ExAC 0.00001; gnomAD 0.00001.
gnomAD v4.1: 4 of 1,610,718 alleles (0.00025%); highest among the groups gnomAD compares: African/African-American, 0.004%; no homozygotes.

Submissions (3):

PreventionGenetics, part of Exact Sciences
Classification: Uncertain significance for NEXN-related condition. Last evaluated: 2022-09-20. Review status: criteria provided, single submitter. Criteria: ACMG Guidelines, 2015. Collection method: clinical testing. Allele origin: germline.
Comment: The NEXN c.185T>A variant is predicted to result in the amino acid substitution p.Ile62Asn. To our knowledge, this variant has not been reported in the literature. This variant is reported in 0.0065% of alleles in individuals of African descent in gnomAD. At this time, the clinical significance of this variant is uncertain due to the absence of conclusive functional and genetic evidence.

Ambry Genetics
Classification: Uncertain significance for Cardiovascular phenotype. Last evaluated: 2021-12-13. Review status: criteria provided, single submitter. Criteria: Ambry Variant Classification Scheme 2023. Collection method: clinical testing. Allele origin: germline.
Comment: The p.I62N variant (also known as c.185T>A), located in coding exon 2 of the NEXN gene, results from a T to A substitution at nucleotide position 185. The isoleucine at codon 62 is replaced by asparagine, an amino acid with dissimilar properties. This amino acid position is conserved. In addition, this alteration is predicted to be tolerated by in silico analysis. Since supporting evidence is limited at this time, the clinical significance of this alteration remains unclear.

GeneDx
Classification: Uncertain significance. Last evaluated: 2020-01-29. Review status: criteria provided, single submitter. Criteria: GeneDx Variant Classification Process June 2021. Collection method: clinical testing. Allele origin: germline. Affected: yes.
Comment: Has not been previously published as pathogenic or benign to our knowledge; Not observed at a significant frequency in large population cohorts (Lek et al., 2016); In silico analysis, which includes protein predictors and evolutionary conservation, supports that this variant does not alter protein structure/function

NM_144573.4(NEXN):c.185T>A (p.Ile62Asn)

Gene: NEXN (nexilin F-actin binding protein; plus strand). Cytogenetic location: 1p31.1.
Variant type: single nucleotide variant.
Coding change: c.185T>A on transcript NM_144573.4 (MANE Select); coding-DNA position 185, T replaced by A.
Protein change: p.Ile62Asn; replaces isoleucine 62 with asparagine.
Molecular consequence: missense variant. On other transcripts: intron variant (1).
Genome position (GRCh38, 1-based): chr1:77,917,723, T>A. VCF-style: chr1-77917723-T-A. GRCh37 (hg19) VCF-style: chr1-78383408-T-A.
Other names: c.28-237T>A (NM_001172309.2); short protein forms I62N.
Identifiers: ClinVar variation 1315130 (VCV001315130.5), dbSNP rs755012232, ClinGen allele CA918577.